The following is an entry in ClinVar:

ClinVar aggregate classification (germline): Likely pathogenic (1 of 4 stars; one submission).

Conditions:
Neurodevelopmental disorder with hypotonia and dysmorphic facies. Identifiers: MedGen C5561974, MONDO:0859185, OMIM 619503.

Allele frequency attached by ClinVar (database versions not stated): ExAC 0.00002; gnomAD 0.00002; TOPMed 0.00002; gnomAD exomes 0.00003; ESP Exome Variant Server 0.00015.
gnomAD v4.1: 49 of 1,613,726 alleles (0.003%); highest among the groups gnomAD compares: African/African-American, 0.004%; no homozygotes.

Submission:

Human Genetics Section, Sidra Medicine
Classification: Likely pathogenic for Neurodevelopmental disorder with hypotonia and dysmorphic facies. Last evaluated: 2024-02-28. Review status: criteria provided, single submitter. Criteria: ACMG Guidelines, 2015. Collection method: research. Allele origin: de novo. Affected: yes. Observed: 1 variant allele.
Comment: Allele frequency is extremely low in all databases (GnomAD total allele frequency 0.00001592). This sequence change replaces asparagine, which is neutral and polar, with isoleucine, which is neutral and non-polar at codon 268 of the GNB2 protein (p.Asn268Ile). We classify the variant as likely pathogenic.

NM_005273.4(GNB2):c.803A>T (p.Asn268Ile)

Gene: GNB2 (G protein subunit beta 2; plus strand). Cytogenetic location: 7q22.1.
Variant type: single nucleotide variant.
Coding change: c.803A>T on transcript NM_005273.4 (MANE Select); coding-DNA position 803, A replaced by T.
Protein change: p.Asn268Ile; replaces asparagine 268 with isoleucine.
Molecular consequence: missense variant.
Genome position (GRCh38, 1-based): chr7:100,678,501, A>T. VCF-style: chr7-100678501-A-T. GRCh37 (hg19) VCF-style: chr7-100276124-A-T.
Other names: short protein forms N268I.
Identifiers: ClinVar variation 3028901 (VCV003028901.2), dbSNP rs147810006, ClinGen allele CA4387704.
Genomic context (GRCh38, chr7:100,678,501, plus strand): 5'-CCACGTGCCGCCTCTTCGACCTGCGGGCCGATCAGGAGCTCCTCATGTACTCCCATGACA[A>T]CATCATCTGTGGCATCACCTCTGTTGCCTTCTCGCGCAGCGGACGGCTGCTGCTCGCTGG-3'
Protein context (NP_005264.2, residues 258-278): DQELLMYSHD[Asn268Ile]IICGITSVAF